The following is an entry in ClinVar:

NM_003647.3(DGKE):c.888+55AT[9]

Gene: DGKE (diacylglycerol kinase epsilon; plus strand). Cytogenetic location: 17q22.
Variant type: Microsatellite.
Coding change: c.888+55AT[9] on transcript NM_003647.3 (MANE Select); nine copies in a row of the 2-base unit AT starting at c.888+55; the reference has eight copies in a row; one copy, 2 bases duplicated.
Molecular consequence: intron variant.
Genome position (GRCh38, 1-based): chr17:56,848,134-56,848,135, AT duplicated; duplicating any 2 consecutive bases within chr17:56,848,120-56,848,135 gives the same sequence; the position shown is the placement nearest the transcript's 3' end. VCF-style (leftmost placement, unchanged base first): chr17-56848119-C-CAT. GRCh37 (hg19) VCF-style: chr17-54925480-C-CAT.
Other names: c.888+69_888+70dup (NM_003647.3).
Identifiers: ClinVar variation 1280501 (VCV001280501.3), dbSNP rs56356802, ClinGen allele CA291907935.

ClinVar aggregate classification (germline): Benign. Review status: criteria provided, multiple submitters, no conflicts (2 of 4 stars). 3 submissions from 3 submitters: Benign (3). Last evaluated 2025-09-26.

Conditions:
Immunoglobulin-mediated membranoproliferative glomerulonephritis. Also called: NEPHROTIC SYNDROME, TYPE 7, WITH MEMBRANOPROLIFERATIVE GLOMERULONEPHRITIS; Nephrotic syndrome, type 7. Identifiers: Orphanet 329903, MedGen C3554330, MONDO:0014005, OMIM 615008.
Mesangiocapillary glomerulonephritis. Also called: Membranoproliferative glomerulonephritis. Identifiers: MedGen C0017662, MONDO:0002461, HP:0000793.

Submissions (3):

Genomenon, Inc
Classification: Benign for Primary membranoproliferative glomerulonephritis. Last evaluated: 2025-09-26. Review status: criteria provided, single submitter. Criteria: Genomenon Sequence Variant Interpretation Standards - Updated. Collection method: curation. Allele origin: germline. Affected: no.
Comment: DGKE c.888+69_888+70dup is an intronic variant located in intron 5. This variant has been reported in the published literature (PMID:29610995). This variant is present at high allele frequency in population databases. In conclusion, we classify DGKE c.888+69_888+70dup as a benign variant.

Blueprint Genetics
Classification: Benign. Last evaluated: 2024-11-28. Review status: criteria provided, single submitter. Criteria: ACMG Guidelines, 2015. Collection method: clinical testing. Allele origin: germline.

GeneDx
Classification: Benign. Last evaluated: 2019-08-20. Review status: criteria provided, single submitter. Criteria: GeneDx Variant Classification Process June 2021. Collection method: clinical testing. Allele origin: germline. Affected: yes.

Literature cited by the submitters: PubMed 29610995 (cited by Genomenon, Inc).